The following is an entry in ClinVar:

ClinVar aggregate classification (germline): Likely benign. Review status: criteria provided, multiple submitters, no conflicts (2 of 4 stars). 2 submissions from 2 submitters: Likely benign (2). Last evaluated 2025-12-05.

Conditions:
Inborn genetic diseases. Identifiers: MedGen C0950123, MeSH D030342.
CC2D1A-related disorder. Also called: CC2D1A-related condition.

gnomAD v4.1: 77 of 1,613,346 alleles (0.0048%); highest among the groups gnomAD compares: South Asian, 0.045%; 1 homozygote.

Submissions (2):

PreventionGenetics, part of Exact Sciences
Classification: Likely benign for CC2D1A-related condition. Last evaluated: 2025-12-05. Review status: criteria provided, single submitter. Criteria: ACMG Guidelines, 2015. Collection method: clinical testing. Allele origin: germline.
Comment: This variant is classified as likely benign based on ACMG/AMP sequence variant interpretation guidelines (Richards et al. 2015 PMID: 25741868, with internal and published modifications).

Ambry Genetics
Classification: Likely benign for Inborn genetic diseases. Last evaluated: 2024-12-11. Review status: criteria provided, single submitter. Criteria: Ambry Variant Classification Scheme 2023. Collection method: clinical testing. Allele origin: germline.

NM_017721.5(CC2D1A):c.1787A>C (p.Gln596Pro)

Gene: CC2D1A (coiled-coil and C2 domain containing 1A; plus strand). Cytogenetic location: 19p13.12.
Variant type: single nucleotide variant.
Coding change: c.1787A>C on transcript NM_017721.5 (MANE Select); coding-DNA position 1787, A replaced by C.
Protein change: p.Gln596Pro; replaces glutamine 596 with proline.
Molecular consequence: missense variant.
Genome position (GRCh38, 1-based): chr19:13,923,570, A>C. VCF-style: chr19-13923570-A-C. GRCh37 (hg19) VCF-style: chr19-14034383-A-C.
Other names: c.1787A>C, p.Gln596Pro (NM_001411138.1); short protein forms Q596P.
Identifiers: ClinVar variation 3827968 (VCV003827968.2).
Genomic context (GRCh38, chr19:13,923,570, plus strand): 5'-CTTCCCTTCCCTCGACTCACTGCCTTCTGTTTCCCCAGATGTGCCTGAACCACTCAAACC[A>C]ATTCACCCAGCTGGGCAACATCACTGAAACCACCAAGTAAGTGCCCTGACCTGTGCCAGA-3'
Protein context (NP_060191.3, residues 586-606): QHEMCLNHSN[Gln596Pro]FTQLGNITET